The following is an entry in ClinVar:

NM_057175.5(NAA15):c.2007G>C (p.Lys669Asn)

Gene: NAA15 (N-alpha-acetyltransferase 15, NatA auxiliary subunit; plus strand). Cytogenetic location: 4q31.1.
Variant type: single nucleotide variant.
Coding change: c.2007G>C on transcript NM_057175.5 (MANE Select); coding-DNA position 2007, G replaced by C.
Protein change: p.Lys669Asn; replaces lysine 669 with asparagine.
Molecular consequence: missense variant.
Genome position (GRCh38, 1-based): chr4:139,376,424, G>C. VCF-style: chr4-139376424-G-C. GRCh37 (hg19) VCF-style: chr4-140297578-G-C.
Other names: c.2007G>C, p.Lys669Asn (NM_001410842.1); c.*416G>C (NM_025085.2); short protein forms K669N.
Identifiers: ClinVar variation 1713582 (VCV001713582.5), dbSNP rs2530459100, ClinGen allele CA358270067.

ClinVar aggregate classification (germline): Uncertain significance (1 of 4 stars; one submission).

Submission:

Labcorp Genetics (formerly Invitae), Labcorp
Classification: Uncertain significance. Last evaluated: 2022-08-17. Review status: criteria provided, single submitter. Criteria: Invitae Variant Classification Sherloc (09022015). Collection method: clinical testing. Allele origin: germline.
Comment: This sequence change replaces lysine, which is basic and polar, with asparagine, which is neutral and polar, at codon 669 of the NAA15 protein (p.Lys669Asn). This variant is not present in population databases (gnomAD no frequency). This variant has not been reported in the literature in individuals affected with NAA15-related conditions. Algorithms developed to predict the effect of missense changes on protein structure and function are either unavailable or do not agree on the potential impact of this missense change (SIFT: "Deleterious"; PolyPhen-2: "Possibly Damaging"; Align-GVGD: "Class C0"). In summary, the available evidence is currently insufficient to determine the role of this variant in disease. Therefore, it has been classified as a Variant of Uncertain Significance.